The following is an entry in ClinVar:

NM_177438.3(DICER1):c.574-3del

Gene: DICER1 (dicer 1, ribonuclease III; minus strand). Cytogenetic location: 14q32.13.
Variant type: Deletion.
Coding change: c.574-3del on transcript NM_177438.3 (MANE Select); 3 bases into the intron before coding-DNA position 574, one base deleted (T; older notation c.574-3delT).
Molecular consequence: intron variant.
Genome position (GRCh38, 1-based): chr14:95,129,635, A deleted on the plus strand (T on the coding strand, the reverse complement: DICER1 is on the minus strand); the first of 2 consecutive A bases (chr14:95,129,635-95,129,636); deleting either gives the same sequence. VCF-style (leftmost placement, unchanged base first): chr14-95129634-TA-T. GRCh37 (hg19) VCF-style: chr14-95595971-TA-T.
Other names: c.574-3del (NM_001291628.2, NM_030621.4, NM_001271282.3 and 1 more transcripts).
Identifiers: ClinVar variation 969139 (VCV000969139.9), dbSNP rs1893779805, ClinGen allele CA966193250.

ClinVar aggregate classification (germline): Uncertain significance (1 of 4 stars; one submission).

Conditions:
DICER1-related tumor predisposition. Also called: DICER1-related pleuropulmonary blastoma cancer predisposition syndrome; DICER1 syndrome. Identifiers: Orphanet 284343, MedGen C3839822, MONDO:0100216.

Submission:

Labcorp Genetics (formerly Invitae), Labcorp
Classification: Uncertain significance for DICER1-related tumor predisposition. Last evaluated: 2025-09-02. Review status: criteria provided, single submitter. Criteria: Invitae Variant Classification Sherloc (09022015). Collection method: clinical testing. Allele origin: germline.
Comment: This sequence change falls in intron 5 of the DICER1 gene. It does not directly change the encoded amino acid sequence of the DICER1 protein. It affects a nucleotide within the consensus splice site. This variant is not present in population databases (gnomAD no frequency). This variant has not been reported in the literature in individuals affected with DICER1-related conditions. ClinVar contains an entry for this variant (Variation ID: 969139). Variants that disrupt the consensus splice site are a relatively common cause of aberrant splicing (PMID: 17576681, 9536098). Algorithms developed to predict the effect of sequence changes on RNA splicing suggest that this variant is not likely to affect RNA splicing. In summary, the available evidence is currently insufficient to determine the role of this variant in disease. Therefore, it has been classified as a Variant of Uncertain Significance.

Literature cited by the submitters: PubMed 17576681; PubMed 9536098.